The following is an entry in ClinVar:

ClinVar aggregate classification (germline): Uncertain significance (1 of 4 stars; one submission).

Submission:

Labcorp Genetics (formerly Invitae), Labcorp
Classification: Uncertain significance. Last evaluated: 2022-07-19. Review status: criteria provided, single submitter. Criteria: Invitae Variant Classification Sherloc (09022015). Collection method: clinical testing. Allele origin: germline.
Comment: In summary, the available evidence is currently insufficient to determine the role of this variant in disease. Therefore, it has been classified as a Variant of Uncertain Significance. Algorithms developed to predict the effect of sequence changes on RNA splicing suggest that this variant may disrupt the consensus splice site. ClinVar contains an entry for this variant (Variation ID: 1484447). This variant has not been reported in the literature in individuals affected with MTOR-related conditions. This variant is not present in population databases (gnomAD no frequency). This sequence change creates a premature translational stop signal (p.Val373Cysfs*6) in the MTOR gene. It is expected to result in an absent or disrupted protein product. However, the current clinical and genetic evidence is not sufficient to establish whether loss-of-function variants in MTOR cause disease.

NM_004958.4(MTOR):c.1116+1del

Gene: MTOR (mechanistic target of rapamycin kinase; minus strand). Cytogenetic location: 1p36.22.
Variant type: Deletion.
Coding change: c.1116+1del on transcript NM_004958.4 (MANE Select); the canonical splice donor site of the intron after coding-DNA position 1116, one base deleted (G; older notation c.1116+1delG).
Molecular consequence: splice donor variant.
Genome position (GRCh38, 1-based): chr1:11,247,818, C deleted on the plus strand (G on the coding strand, the reverse complement: MTOR is on the minus strand); the first of 2 consecutive C bases (chr1:11,247,818-11,247,819); deleting either gives the same sequence. VCF-style (leftmost placement, unchanged base first): chr1-11247817-AC-A. GRCh37 (hg19) VCF-style: chr1-11307874-AC-A.
Other names: c.-24+1del (NM_001386501.1); c.1116+1del (NM_001386500.1).
Identifiers: ClinVar variation 1484447 (VCV001484447.6), dbSNP rs2100939628, ClinGen allele CA2573130659.